The following is an entry in ClinVar:

ClinVar aggregate classification (germline): Uncertain significance (1 of 4 stars; one submission).

Allele frequency attached by ClinVar (database versions not stated): TOPMed below 0.00001; gnomAD 0.00001.
gnomAD v4.1: 8 of 1,515,010 alleles (0.00053%); highest among the groups gnomAD compares: Admixed American, 0.004%; no homozygotes.

Submission:

Labcorp Genetics (formerly Invitae), Labcorp
Classification: Uncertain significance. Last evaluated: 2023-11-15. Review status: criteria provided, single submitter. Criteria: Invitae Variant Classification Sherloc (09022015). Collection method: clinical testing. Allele origin: germline.
Comment: This sequence change replaces valine, which is neutral and non-polar, with isoleucine, which is neutral and non-polar, at codon 301 of the ERBIN protein (p.Val301Ile). This variant is present in population databases (no rsID available, gnomAD 0.004%). This variant has not been reported in the literature in individuals affected with ERBIN-related conditions. ClinVar contains an entry for this variant (Variation ID: 2069475). Algorithms developed to predict the effect of missense changes on protein structure and function output the following: SIFT: "Not Available"; PolyPhen-2: "Benign"; Align-GVGD: "Not Available". The isoleucine amino acid residue is found in multiple mammalian species, which suggests that this missense change does not adversely affect protein function. In summary, the available evidence is currently insufficient to determine the role of this variant in disease. Therefore, it has been classified as a Variant of Uncertain Significance.

NM_001253697.2(ERBIN):c.901G>A (p.Val301Ile)

Gene: ERBIN (erbb2 interacting protein; plus strand). Cytogenetic location: 5q12.3.
Variant type: single nucleotide variant.
Coding change: c.901G>A on transcript NM_001253697.2 (MANE Select); coding-DNA position 901, G replaced by A.
Protein change: p.Val301Ile; replaces valine 301 with isoleucine.
Molecular consequence: missense variant.
Genome position (GRCh38, 1-based): chr5:66,025,858, G>A. VCF-style: chr5-66025858-G-A. GRCh37 (hg19) VCF-style: chr5-65321686-G-A.
Other names: c.901G>A, p.Val301Ile (NM_001006600.3, NM_001253698.2, NM_001253699.2 and 2 more transcripts); short protein forms V301I.
Identifiers: ClinVar variation 2069475 (VCV002069475.4), dbSNP rs761081969, ClinGen allele CA359975188.
Genomic context (GRCh38, chr5:66,025,858, plus strand): 5'-ATATAGGAAATCTTTAACAAATAATATATATTTCTTTTTTTAAATTAAAGGTTAATATCA[G>A]TAGAAGAACTGGATTGTAGTTTCAATGAAGTTGAAGCTTTGCCTTCATCTATTGGGCAGC-3'
Protein context (NP_001240626.1, residues 291-311): LPDSIGGLIS[Val301Ile]EELDCSFNEV